The following is an entry in ClinVar:

ClinVar aggregate classification (germline): Likely benign. Review status: criteria provided, multiple submitters, no conflicts (2 of 4 stars). 2 submissions from 2 submitters: Likely benign (2). Last evaluated 2026-04-27.

Conditions:
Inborn genetic diseases. Identifiers: MedGen C0950123, MeSH D030342.

gnomAD v4.1: 330 of 1,613,542 alleles (0.02%); highest among the groups gnomAD compares: Admixed American, 0.5%; 1 homozygote.

Submissions (2):

Women's Health and Genetics/Laboratory Corporation of America, LabCorp
Classification: Likely benign. Last evaluated: 2026-04-27. Review status: criteria provided, single submitter. Criteria: LabCorp Variant Classification Summary - May 2015. Collection method: clinical testing. Allele origin: germline.
Comment: Variant summary: ASCC3 c.6068C>T (p.Thr2023Met) results in a non-conservative amino acid change in the encoded protein sequence. Algorithms developed to predict the effect of missense changes on protein structure and function are either unavailable or do not agree on the potential impact of this missense change. The variant allele was found at a frequency of 0.0011 in 251424 control chromosomes, predominantly at a frequency of 0.0079 within the Latino subpopulation in the gnomAD database, including 1 homozygotes. The observed variant frequency within Latino control individuals in the gnomAD database exceeds the estimated maximal expected allele frequency for disease-causing variants in ASCC3. To our knowledge, no occurrence of c.6068C>T in individuals affected with ASCC3-related conditions and no experimental evidence demonstrating its impact on protein function have been reported. No submitters have cited clinical-significance assessments for this variant to ClinVar. Based on the evidence outlined above, the variant was classified as likely benign.

Ambry Genetics
Classification: Likely benign for Inborn genetic diseases. Last evaluated: 2025-05-20. Review status: criteria provided, single submitter. Criteria: Ambry Variant Classification Scheme 2023. Collection method: clinical testing. Allele origin: germline.

NM_006828.4(ASCC3):c.6068C>T (p.Thr2023Met)

Gene: ASCC3 (activating signal cointegrator 1 complex subunit 3; minus strand). Cytogenetic location: 6q16.3.
Variant type: single nucleotide variant.
Coding change: c.6068C>T on transcript NM_006828.4 (MANE Select); coding-DNA position 6068, C replaced by T.
Protein change: p.Thr2023Met; replaces threonine 2023 with methionine.
Molecular consequence: missense variant.
Genome position (GRCh38, 1-based): chr6:100,516,187, G>A on the plus strand (C>T on the coding strand, the complement: ASCC3 is on the minus strand). VCF-style: chr6-100516187-G-A. GRCh37 (hg19) VCF-style: chr6-100964063-G-A.
Other names: short protein forms T2023M.
Identifiers: ClinVar variation 3951772 (VCV003951772.2).